The following is an entry in ClinVar:

NM_007118.4(TRIO):c.6877GGC[8] (p.Gly2297_Gly2298dup)

Gene: TRIO (trio Rho guanine nucleotide exchange factor; plus strand). Cytogenetic location: 5p15.2.
Variant type: Microsatellite.
Coding change: c.6877GGC[8] on transcript NM_007118.4 (MANE Select); eight copies in a row of the 3-base unit GGC starting at c.6877; the reference has six copies in a row; two copies, 6 bases duplicated.
Protein change: p.Gly2297_Gly2298dup.
Molecular consequence: inframe insertion. On other transcripts: non-coding transcript variant (1).
Genome position (GRCh38, 1-based): chr5:14,487,517-14,487,522, GGCGGC duplicated; duplicating any 6 consecutive bases within chr5:14,487,505-14,487,522 gives the same sequence; the position shown is the placement nearest the transcript's 3' end. VCF-style (leftmost placement, unchanged base first): chr5-14487504-G-GGGCGGC. GRCh37 (hg19) VCF-style: chr5-14487613-G-GGGCGGC.
Other names: c.6889_6894dupGGCGGC (NM_007118.2); c.6889_6894dup6 (NM_007118.3).
Identifiers: ClinVar variation 981430 (VCV000981430.39), dbSNP rs749785358, ClinGen allele CA3207273.
Genomic context (GRCh38, chr5:14,487,504, plus strand): 5'-CCCGCTGTCTTGTCTTACAGCCTTGACATCGCCAATCGAGTACCAGAGGAACCACAGCGG[G>GGGCGGC]GGCGGCGGCGGCGGCGGCAGCGGGGGCAGCGGCGGGGGTGGGGGCAGCGGCGGCGGCGGG-3'

ClinVar aggregate classification (germline): Conflicting classifications of pathogenicity. Review status: criteria provided, conflicting classifications (1 of 4 stars). 4 submissions from 4 submitters: Uncertain significance (1); Likely benign (3). Last evaluated 2025-10-01.

Conditions:
Inborn genetic diseases. Identifiers: MedGen C0950123, MeSH D030342.
TRIO-related disorder. Also called: TRIO-related condition; TRIO-related disorders.
Intellectual disability. Also called: Intellectual developmental disorder; intellectual disabilities; Intellectual functioning disability. Identifiers: MedGen C3714756, MeSH D008607, MONDO:0001071, HP:0001249.

Submissions (4):

CeGaT Center for Human Genetics Tuebingen
Classification: Likely benign. Last evaluated: 2025-10-01. Review status: criteria provided, single submitter. Criteria: CeGaT Center For Human Genetics Tuebingen Variant Classification Criteria Version 2. Collection method: clinical testing. Allele origin: germline. Affected: yes. Observed: 6 variant alleles.
Comment: TRIO: BS2

PreventionGenetics, part of Exact Sciences
Classification: Likely benign for TRIO-related condition. Last evaluated: 2025-07-08. Review status: criteria provided, single submitter. Criteria: ACMG Guidelines, 2015. Collection method: clinical testing. Allele origin: germline.
Comment: This variant is classified as likely benign based on ACMG/AMP sequence variant interpretation guidelines (Richards et al. 2015 PMID: 25741868, with internal and published modifications).

Ambry Genetics
Classification: Likely benign for Inborn genetic diseases. Last evaluated: 2021-07-10. Review status: criteria provided, single submitter. Criteria: Ambry Variant Classification Scheme 2023. Collection method: clinical testing. Allele origin: germline.

Diagnostic Laboratory, Strasbourg University Hospital
Classification: Uncertain significance for Intellectual disability. Last evaluated: 2020-09-10. Review status: criteria provided, single submitter. Criteria: ACMG Guidelines, 2015. Collection method: clinical testing. Allele origin: de novo. Affected: yes. Observed: 1 heterozygote.